The following is an entry in ClinVar:

ClinVar aggregate classification (germline): Uncertain significance (1 of 4 stars; one submission).

Conditions:
Hereditary cancer-predisposing syndrome. Also called: Tumor predisposition; Hereditary neoplastic syndrome; Hereditary Cancer Syndrome; Neoplastic Syndromes, Hereditary. Identifiers: Orphanet 140162, MedGen C0027672, MeSH D009386, MONDO:0015356.

Submission:

Ambry Genetics
Classification: Uncertain significance for Hereditary cancer-predisposing syndrome. Last evaluated: 2024-02-25. Review status: criteria provided, single submitter. Criteria: Ambry Variant Classification Scheme 2023. Collection method: clinical testing. Allele origin: germline.
Comment: The p.I43S variant (also known as c.128T>G), located in coding exon 3 of the XRCC2 gene, results from a T to G substitution at nucleotide position 128. The isoleucine at codon 43 is replaced by serine, an amino acid with dissimilar properties. This amino acid position is conserved. In addition, this alteration is predicted to be deleterious by in silico analysis. Based on the available evidence, the clinical significance of this alteration remains unclear.

NM_005431.2(XRCC2):c.128T>G (p.Ile43Ser)

Gene: XRCC2 (X-ray repair cross complementing 2; minus strand). Cytogenetic location: 7q36.1.
Variant type: single nucleotide variant.
Coding change: c.128T>G on transcript NM_005431.2 (MANE Select); coding-DNA position 128, T replaced by G.
Protein change: p.Ile43Ser; replaces isoleucine 43 with serine.
Molecular consequence: missense variant.
Genome position (GRCh38, 1-based): chr7:152,649,357, A>C on the plus strand (T>G on the coding strand, the complement: XRCC2 is on the minus strand). VCF-style: chr7-152649357-A-C. GRCh37 (hg19) VCF-style: chr7-152346442-A-C.
Other names: short protein forms I43S.
Identifiers: ClinVar variation 3224661 (VCV003224661.1), dbSNP rs1324568176, ClinGen allele CA370199365.